The following is an entry in ClinVar:

NM_001267550.2(TTN):c.2557C>T (p.Gln853Ter)

Gene: TTN (titin; minus strand). Cytogenetic location: 2q31.2.
Variant type: single nucleotide variant.
Coding change: c.2557C>T on transcript NM_001267550.2 (MANE Select); coding-DNA position 2557, C replaced by T.
Protein change: p.Gln853Ter; replaces glutamine 853 with a stop codon.
Molecular consequence: nonsense.
Genome position (GRCh38, 1-based): chr2:178,784,288, G>A on the plus strand (C>T on the coding strand, the complement: TTN is on the minus strand). VCF-style: chr2-178784288-G-A. GRCh37 (hg19) VCF-style: chr2-179649015-G-A.
Other names: c.2557C>T, p.Gln853Ter (NM_001256850.1, NM_133378.4, NM_133379.5); c.2419C>T, p.Gln807Ter (NM_003319.4, NM_133432.3, NM_133437.4); short protein forms Q853*, Q807*.
Identifiers: ClinVar variation 2103206 (VCV002103206.4), dbSNP rs1234178280, ClinGen allele CA349496805.

ClinVar aggregate classification (germline): Likely pathogenic (1 of 4 stars; one submission).

Conditions:
Dilated cardiomyopathy 1G (CMD1G). Identifiers: Orphanet 154, MedGen C1858763, MONDO:0011400, OMIM 604145.
Autosomal recessive limb-girdle muscular dystrophy type 2J (LGMDR10). Also called: Limb-girdle muscular dystrophy, type 2J; MUSCULAR DYSTROPHY, LIMB-GIRDLE, AUTOSOMAL RECESSIVE 10. Identifiers: Orphanet 140922, MedGen C1837342, MONDO:0012127, OMIM 608807.

Submission:

Labcorp Genetics (formerly Invitae), Labcorp
Classification: Likely pathogenic for Dilated cardiomyopathy 1G; Autosomal recessive limb-girdle muscular dystrophy type 2J. Last evaluated: 2024-10-18. Review status: criteria provided, single submitter. Criteria: Invitae Variant Classification Sherloc (09022015). Collection method: clinical testing. Allele origin: germline.
Comment: This sequence change creates a premature translational stop signal (p.Gln853*) in the TTN gene. While this is not anticipated to result in nonsense mediated decay, it is expected to create a truncated TTN protein. This variant is not present in population databases (gnomAD no frequency). This variant has not been reported in the literature in individuals affected with TTN-related conditions. ClinVar contains an entry for this variant (Variation ID: 2103206). This variant is located in the Z band of TTN (PMID: 25589632). Truncating variants in this region have been reported in individuals affected with autosomal recessive centronuclear myopathy (PMID: 33449170, internal data). Truncating variants in this region have also been identified in individuals affected with autosomal dominant dilated cardiomyopathy and/or cardio-related conditions (PMID: 27869827, 32964742, internal data). In summary, the currently available evidence indicates that the variant is pathogenic, but additional data are needed to prove that conclusively. Therefore, this variant has been classified as Likely Pathogenic.

Literature cited by the submitters: PubMed 25589632; PubMed 33449170; PubMed 27869827; PubMed 32964742.